The following is an entry in ClinVar:

NM_001378418.1(TCF20):c.3719C>G (p.Pro1240Arg)

Gene: TCF20 (transcription factor 20; minus strand). Cytogenetic location: 22q13.2.
Variant type: single nucleotide variant.
Coding change: c.3719C>G on transcript NM_001378418.1 (MANE Select); coding-DNA position 3719, C replaced by G.
Protein change: p.Pro1240Arg; replaces proline 1240 with arginine.
Molecular consequence: missense variant.
Genome position (GRCh38, 1-based): chr22:42,211,587, G>C on the plus strand (C>G on the coding strand, the complement: TCF20 is on the minus strand). VCF-style: chr22-42211587-G-C. GRCh37 (hg19) VCF-style: chr22-42607593-G-C.
Other names: c.3719C>G, p.Pro1240Arg (NM_005650.4, NM_181492.3); short protein forms P1240R.
Identifiers: ClinVar variation 2825847 (VCV002825847.3), dbSNP rs2518213139, ClinGen allele CA411785878.

ClinVar aggregate classification (germline): Uncertain significance (1 of 4 stars; one submission).

Submission:

Labcorp Genetics (formerly Invitae), Labcorp
Classification: Uncertain significance. Last evaluated: 2023-01-01. Review status: criteria provided, single submitter. Criteria: Invitae Variant Classification Sherloc (09022015). Collection method: clinical testing. Allele origin: germline.
Comment: This sequence change replaces proline, which is neutral and non-polar, with arginine, which is basic and polar, at codon 1240 of the TCF20 protein (p.Pro1240Arg). This variant is not present in population databases (gnomAD no frequency). This variant has not been reported in the literature in individuals affected with TCF20-related conditions. Algorithms developed to predict the effect of missense changes on protein structure and function are either unavailable or do not agree on the potential impact of this missense change (SIFT: "Tolerated"; PolyPhen-2: "Possibly Damaging"; Align-GVGD: "Class C0"). In summary, the available evidence is currently insufficient to determine the role of this variant in disease. Therefore, it has been classified as a Variant of Uncertain Significance.